The following is an entry in ClinVar:

NM_001318734.2(KLC2):c.1299A>T (p.Glu433Asp)

Genes: KLC2 (kinesin light chain 2; plus strand), KLC2-AS1 (KLC2 antisense RNA 1; minus strand). Cytogenetic location: 11q13.2.
Variant type: single nucleotide variant.
Coding change: c.1299A>T on transcript NM_001318734.2 (MANE Select); coding-DNA position 1299, A replaced by T.
Protein change: p.Glu433Asp; replaces glutamic acid 433 with aspartic acid.
Molecular consequence: missense variant. On other transcripts: non-coding transcript variant (1).
Genome position (GRCh38, 1-based): chr11:66,265,200, A>T. VCF-style: chr11-66265200-A-T. GRCh37 (hg19) VCF-style: chr11-66032671-A-T.
Other names: c.1068A>T, p.Glu356Asp (NM_001134774.2); c.1299A>T, p.Glu433Asp (NM_001134775.2, NM_001134776.2, NM_022822.3); short protein forms E433D, E356D.
Identifiers: ClinVar variation 3681488 (VCV003681488.2).

ClinVar aggregate classification (germline): Uncertain significance (1 of 4 stars; one submission).

gnomAD v4.1: 6 of 1,598,660 alleles (0.00038%); highest among the groups gnomAD compares: African/African-American, 0.0013%; no homozygotes.

Submission:

Labcorp Genetics (formerly Invitae), Labcorp
Classification: Uncertain significance. Last evaluated: 2024-10-05. Review status: criteria provided, single submitter. Criteria: Invitae Variant Classification Sherloc (09022015). Collection method: clinical testing. Allele origin: germline.
Comment: This sequence change replaces glutamic acid, which is acidic and polar, with aspartic acid, which is acidic and polar, at codon 433 of the KLC2 protein (p.Glu433Asp). This variant is present in population databases (no rsID available, gnomAD 0.007%). This variant has not been reported in the literature in individuals affected with KLC2-related conditions. An algorithm developed to predict the effect of missense changes on protein structure and function (PolyPhen-2) suggests that this variant is likely to be tolerated. In summary, the available evidence is currently insufficient to determine the role of this variant in disease. Therefore, it has been classified as a Variant of Uncertain Significance.